The following is an entry in ClinVar:

NM_001267550.2(TTN):c.105665G>C (p.Arg35222Thr)

Genes: TTN (titin; minus strand), TTN-AS1 (TTN antisense RNA 1; plus strand), LOC129935183 (ATAC-STARR-seq lymphoblastoid active region 16808; plus strand). Cytogenetic location: 2q31.2.
Variant type: single nucleotide variant.
Coding change: c.105665G>C on transcript NM_001267550.2 (MANE Select); coding-DNA position 105665, G replaced by C.
Protein change: p.Arg35222Thr; replaces arginine 35222 with threonine.
Molecular consequence: missense variant.
Genome position (GRCh38, 1-based): chr2:178,530,950, C>G on the plus strand (G>C on the coding strand, the complement: TTN is on the minus strand). VCF-style: chr2-178530950-C-G. GRCh37 (hg19) VCF-style: chr2-179395677-C-G.
Other names: c.100742G>C, p.Arg33581Thr (NM_001256850.1); c.78470G>C, p.Arg26157Thr (NM_003319.4); c.97961G>C, p.Arg32654Thr (NM_133378.4); c.78845G>C, p.Arg26282Thr (NM_133432.3); c.79046G>C, p.Arg26349Thr (NM_133437.4); short protein forms R26157T, R33581T, R26349T, R26282T, R32654T, R35222T.
Identifiers: ClinVar variation 2928462 (VCV002928462.3), dbSNP rs778776695, ClinGen allele CA349408171.
Genomic context (GRCh38, chr2:178,530,950, plus strand): 5'-TTCACCCGAGGCTCTGGGGATTTGACTCTTGGTGGTGATGTCACAGCCTTTTCAGTTACC[C>G]TGGCCTTTTGAATAGTCAGAGTGAACTCTGCTTCTTGTTTCCCTTCACTGTTTTCTACCA-3'
Protein context (NP_001254479.2, residues 35212-35232): AEFTLTIQKA[Arg35222Thr]VTEKAVTSPP

ClinVar aggregate classification (germline): Uncertain significance (1 of 4 stars; one submission).

Conditions:
Dilated cardiomyopathy 1G (CMD1G). Identifiers: Orphanet 154, MedGen C1858763, MONDO:0011400, OMIM 604145.
Autosomal recessive limb-girdle muscular dystrophy type 2J (LGMDR10). Also called: MUSCULAR DYSTROPHY, LIMB-GIRDLE, AUTOSOMAL RECESSIVE 10; Limb-girdle muscular dystrophy, type 2J. Identifiers: Orphanet 140922, MedGen C1837342, MONDO:0012127, OMIM 608807.

Submission:

Labcorp Genetics (formerly Invitae), Labcorp
Classification: Uncertain significance for Dilated cardiomyopathy 1G; Autosomal recessive limb-girdle muscular dystrophy type 2J. Last evaluated: 2024-01-15. Review status: criteria provided, single submitter. Criteria: Invitae Variant Classification Sherloc (09022015). Collection method: clinical testing. Allele origin: germline.
Comment: This sequence change replaces arginine, which is basic and polar, with threonine, which is neutral and polar, at codon 35222 of the TTN protein (p.Arg35222Thr). This variant is not present in population databases (gnomAD no frequency). This variant has not been reported in the literature in individuals affected with TTN-related conditions. Experimental studies and prediction algorithms are not available or were not evaluated, and the functional significance of this variant is currently unknown. This variant is located in the M band of TTN (PMID: 25589632). Non-truncating variants in this region may be relevant for neuromuscular disorders, but have not been definitively shown to cause cardiomyopathy (PMID: 23975875). In summary, the available evidence is currently insufficient to determine the role of this variant in disease. Therefore, it has been classified as a Variant of Uncertain Significance.

Literature cited by the submitters: PubMed 25589632; PubMed 23975875.